The following is an entry in ClinVar:

NM_001291303.3(FAT4):c.3028C>T (p.Pro1010Ser)

Gene: FAT4 (FAT atypical cadherin 4; plus strand). Cytogenetic location: 4q28.1.
Variant type: single nucleotide variant.
Coding change: c.3028C>T on transcript NM_001291303.3 (MANE Select); coding-DNA position 3028, C replaced by T.
Protein change: p.Pro1010Ser; replaces proline 1010 with serine.
Molecular consequence: missense variant.
Genome position (GRCh38, 1-based): chr4:125,319,439, C>T. VCF-style: chr4-125319439-C-T. GRCh37 (hg19) VCF-style: chr4-126240594-C-T.
Other names: c.3028C>T, p.Pro1010Ser (NM_001291285.3, NM_024582.6); short protein forms P1010S.
Identifiers: ClinVar variation 1378471 (VCV001378471.4), dbSNP rs771044290, ClinGen allele CA3072248.

ClinVar aggregate classification (germline): Uncertain significance. Review status: criteria provided, multiple submitters, no conflicts (2 of 4 stars). 2 submissions from 2 submitters: Uncertain significance (2). Last evaluated 2021-08-29.

Conditions:
Van Maldergem syndrome 2 (VMLDS2). Identifiers: Orphanet 314679, MedGen C3809875, MONDO:0014242, OMIM 615546.
Hennekam lymphangiectasia-lymphedema syndrome 2 (HKLLS2). Identifiers: Orphanet 2136, MedGen C4014939, MONDO:0014454, OMIM 616006.

Allele frequency attached by ClinVar (database versions not stated): ExAC 0.00001; gnomAD exomes below 0.00001.
gnomAD v4.1: 1 of 1,613,704 alleles (0.000062%); highest among the groups gnomAD compares: Non-Finnish European, 0.000085%; no homozygotes.

Submissions (2):

Labcorp Genetics (formerly Invitae), Labcorp
Classification: Uncertain significance. Last evaluated: 2021-08-29. Review status: criteria provided, single submitter. Criteria: Invitae Variant Classification Sherloc (09022015). Collection method: clinical testing. Allele origin: germline.
Comment: This sequence change replaces proline with serine at codon 1010 of the FAT4 protein (p.Pro1010Ser). The proline residue is highly conserved and there is a moderate physicochemical difference between proline and serine. This variant is present in population databases (rs771044290, ExAC 0.002%). This variant has not been reported in the literature in individuals affected with FAT4-related conditions. Advanced modeling of protein sequence and biophysical properties (such as structural, functional, and spatial information, amino acid conservation, physicochemical variation, residue mobility, and thermodynamic stability) performed at Invitae indicates that this missense variant is not expected to disrupt FAT4 protein function. In summary, the available evidence is currently insufficient to determine the role of this variant in disease. Therefore, it has been classified as a Variant of Uncertain Significance.

Department of Pathology and Laboratory Medicine, Sinai Health System
Classification: Uncertain significance for Van Maldergem syndrome 2; Hennekam lymphangiectasia-lymphedema syndrome 2. Last evaluated: 2020-07-03. Review status: criteria provided, single submitter. Criteria: ACMG Guidelines, 2015. Collection method: research. Allele origin: germline.